The following is an entry in ClinVar:

ClinVar aggregate classification (germline): Uncertain significance (1 of 4 stars; one submission).

gnomAD v4.1: 4 of 1,611,342 alleles (0.00025%); highest among the groups gnomAD compares: Non-Finnish European, 0.00034%; no homozygotes.

Submission:

Labcorp Genetics (formerly Invitae), Labcorp
Classification: Uncertain significance. Last evaluated: 2025-11-27. Review status: criteria provided, single submitter. Criteria: Invitae Variant Classification Sherloc (09022015). Collection method: clinical testing. Allele origin: germline.
Comment: This sequence change replaces valine, which is neutral and non-polar, with isoleucine, which is neutral and non-polar, at codon 239 of the RNF13 protein (p.Val239Ile). This variant is not present in population databases (gnomAD no frequency). This variant has not been reported in the literature in individuals affected with RNF13-related conditions. ClinVar contains an entry for this variant (Variation ID: 3682586). Invitae Evidence Modeling of protein sequence and biophysical properties (such as structural, functional, and spatial information, amino acid conservation, physicochemical variation, residue mobility, and thermodynamic stability) indicates that this missense variant is not expected to disrupt RNF13 protein function with a negative predictive value of 80%. In summary, the available evidence is currently insufficient to determine the role of this variant in disease. Therefore, it has been classified as a Variant of Uncertain Significance.

NM_183381.3(RNF13):c.715G>A (p.Val239Ile)

Gene: RNF13 (ring finger protein 13; plus strand). Cytogenetic location: 3q25.1.
Variant type: single nucleotide variant.
Coding change: c.715G>A on transcript NM_183381.3 (MANE Select); coding-DNA position 715, G replaced by A.
Protein change: p.Val239Ile; replaces valine 239 with isoleucine.
Molecular consequence: missense variant. On other transcripts: non-coding transcript variant (1).
Genome position (GRCh38, 1-based): chr3:149,960,070, G>A. VCF-style: chr3-149960070-G-A. GRCh37 (hg19) VCF-style: chr3-149677857-G-A.
Other names: c.715G>A, p.Val239Ile (NM_001378285.1, NM_001378286.1, NM_007282.4); c.358G>A, p.Val120Ile (NM_001378287.1, NM_001378288.1, NM_001378289.1 and 2 more transcripts); c.322G>A, p.Val108Ile (NM_001378291.1); short protein forms V108I, V120I, V239I.
Identifiers: ClinVar variation 3682586 (VCV003682586.2).
Genomic context (GRCh38, chr3:149,960,070, plus strand): 5'-GTTTGAAAGGTGAAAAAATAGTTCTCTACATATTTTCTGTTTTCAGGAGATGAGTATGAT[G>A]TATGTGCCATTTGTTTGGATGAGTATGAAGATGGAGACAAACTCAGAATCCTTCCCTGTT-3'
Protein context (NP_899237.1, residues 229-249): HKFKKGDEYD[Val239Ile]CAICLDEYED